The following is an entry in ClinVar:

ClinVar aggregate classification (germline): Uncertain significance. Review status: criteria provided, multiple submitters, no conflicts (2 of 4 stars). 2 submissions from 2 submitters: Uncertain significance (2). Last evaluated 2023-12-06.

Conditions:
Hereditary spastic paraplegia 30. Identifiers: Orphanet 101010, MedGen C5235139, MONDO:0012476.
Neuropathy, hereditary sensory, type 2C. Also called: KIF1A-Related HSAN2 (HSAN2C); Hereditary sensory and autonomic neuropathy type IIC. Identifiers: Orphanet 970, MedGen C3280168, MONDO:0013634, OMIM 614213.
Intellectual disability, autosomal dominant 9 (NESCAVS). Also called: NESCAV SYNDROME; KIF1A-Related Neurodevelopmental Disorder. Identifiers: Orphanet 662367, MedGen C5393830, MONDO:0013656, OMIM 614255.

Allele frequency attached by ClinVar (database versions not stated): gnomAD exomes below 0.00001; gnomAD 0.00001.
gnomAD v4.1: 2 of 1,603,548 alleles (0.00012%); highest among the groups gnomAD compares: Non-Finnish European, 0.00017%; no homozygotes.

Submissions (2):

Blueprint Genetics
Classification: Uncertain significance. Last evaluated: 2023-12-06. Review status: criteria provided, single submitter. Criteria: ACMG Guidelines, 2015. Collection method: clinical testing. Allele origin: germline.

Labcorp Genetics (formerly Invitae), Labcorp
Classification: Uncertain significance for Hereditary spastic paraplegia 30; Neuropathy, hereditary sensory, type 2C; Intellectual disability, autosomal dominant 9. Last evaluated: 2022-07-04. Review status: criteria provided, single submitter. Criteria: Invitae Variant Classification Sherloc (09022015). Collection method: clinical testing. Allele origin: germline.
Comment: In summary, the available evidence is currently insufficient to determine the role of this variant in disease. Therefore, it has been classified as a Variant of Uncertain Significance. Algorithms developed to predict the effect of sequence changes on RNA splicing suggest that this variant may create or strengthen a splice site. Algorithms developed to predict the effect of missense changes on protein structure and function are either unavailable or do not agree on the potential impact of this missense change (SIFT: "Deleterious"; PolyPhen-2: "Benign"; Align-GVGD: "Class C0"). This variant has not been reported in the literature in individuals affected with KIF1A-related conditions. This variant is not present in population databases (gnomAD no frequency). This sequence change replaces threonine, which is neutral and polar, with alanine, which is neutral and non-polar, at codon 700 of the KIF1A protein (p.Thr700Ala).

NM_001244008.2(KIF1A):c.2125A>G (p.Thr709Ala)

Gene: KIF1A (kinesin family member 1A; minus strand). Cytogenetic location: 2q37.3.
Variant type: single nucleotide variant.
Coding change: c.2125A>G on transcript NM_001244008.2 (MANE Select); coding-DNA position 2125, A replaced by G.
Protein change: p.Thr709Ala; replaces threonine 709 with alanine.
Molecular consequence: missense variant.
Genome position (GRCh38, 1-based): chr2:240,761,369, T>C on the plus strand (A>G on the coding strand, the complement: KIF1A is on the minus strand). VCF-style: chr2-240761369-T-C. GRCh37 (hg19) VCF-style: chr2-241700786-T-C.
Other names: c.2125A>G, p.Thr709Ala (NM_001320705.2, NM_001330289.2, NM_001379638.1); c.2200A>G, p.Thr734Ala (NM_001330290.2, NM_001379631.1, NM_001379634.1 and 2 more transcripts); c.2098A>G, p.Thr700Ala (NM_001379632.1, NM_001379633.1, NM_001379636.1 and 11 more transcripts); c.2173A>G, p.Thr725Ala (NM_001379637.1, NM_001379648.1); short protein forms T700A, T709A, T725A, T734A.
Identifiers: ClinVar variation 2013946 (VCV002013946.5), dbSNP rs2050505123, ClinGen allele CA351325613.